The following is an entry in ClinVar:

NM_001134673.4(NFIA):c.346A>G (p.Arg116Gly)

Gene: NFIA (nuclear factor I A; plus strand). Cytogenetic location: 1p31.3.
Variant type: single nucleotide variant.
Coding change: c.346A>G on transcript NM_001134673.4 (MANE Select); coding-DNA position 346, A replaced by G.
Protein change: p.Arg116Gly; replaces arginine 116 with glycine.
Molecular consequence: missense variant.
Genome position (GRCh38, 1-based): chr1:61,088,467, A>G. VCF-style: chr1-61088467-A-G. GRCh37 (hg19) VCF-style: chr1-61554139-A-G.
Other names: c.322A>G, p.Arg108Gly (NM_001145511.2); c.481A>G, p.Arg161Gly (NM_001145512.2); c.346A>G, p.Arg116Gly (NM_005595.5); short protein forms R108G, R116G, R161G.
Identifiers: ClinVar variation 4813076 (VCV004813076.1).

ClinVar aggregate classification (germline): Likely pathogenic (1 of 4 stars; one submission).

Conditions:
Brain malformations with or without urinary tract defects. Also called: Brain malformations and urinary tract defects. Identifiers: MedGen C4478940, MONDO:0100478, OMIM 613735.

Submission:

Variantyx, Inc.
Classification: Likely pathogenic for Brain malformations with or without urinary tract defects. Last evaluated: 2025-09-08. Review status: criteria provided, single submitter. Criteria: Variantyx Assertion Criteria 2022. Collection method: clinical testing. Allele origin: de novo. Inheritance: Autosomal dominant inheritance. Affected: yes.
Comment: This is a nonsynonymous variant in the NFIA gene (OMIM: 600727). Pathogenic variants in this gene have been associated with autosomal dominant brain malformations with or without urinary tract defects (PMID:19763616, 28452798). Multiple computational algorithms predict a deleterious effect for this variant (REVEL score: 0.759) (PP3). This variant is absent from control populations (PM2). Based on the current evidence, this variant is classified as likely pathogenic for autosomal dominant brain malformations with or without urinary tract defects.

Literature cited by the submitters: PubMed 19763616; PubMed 28452798.